The following is an entry in ClinVar:

NM_015629.4(PRPF31):c.1374+505C>T

Gene: PRPF31 (pre-mRNA processing factor 31; plus strand). Cytogenetic location: 19q13.42.
Variant type: single nucleotide variant.
Coding change: c.1374+505C>T on transcript NM_015629.4 (MANE Select); 505 bases into the intron after coding-DNA position 1374, C replaced by T.
Molecular consequence: intron variant.
Genome position (GRCh38, 1-based): chr19:54,129,875, C>T. VCF-style: chr19-54129875-C-T. GRCh37 (hg19) VCF-style: chr19-54633250-C-T.
Identifiers: ClinVar variation 4293657 (VCV004293657.1).

ClinVar aggregate classification (germline): Uncertain significance (1 of 4 stars; one submission).

Conditions:
Retinitis pigmentosa 11 (RP11). Identifiers: Orphanet 791, MedGen C1838601, MONDO:0010828, OMIM 600138.

Submission:

3billion
Classification: Uncertain significance for Retinitis pigmentosa 11. Last evaluated: 2024-12-12. Review status: criteria provided, single submitter. Criteria: ACMG Guidelines, 2015. Collection method: clinical testing. Allele origin: germline. Affected: yes.
Comment: The variant is not observed in the gnomAD v4.1.0 dataset. Predicted Consequence/Location: Intron variant In silico tools predict the variant to alter splicing and produce an abnormal transcript [SpliceAI: 0.59 (>=0.2, moderate evidence for spliceogenicity)]. Therefore, this variant is classified as VUS according to the recommendation of ACMG/AMP guideline.